The following is an entry in ClinVar:

NM_020911.2(PLXNA4):c.2952C>T (p.Asn984=)

Gene: PLXNA4 (plexin A4; minus strand). Cytogenetic location: 7q32.3.
Variant type: single nucleotide variant.
Coding change: c.2952C>T on transcript NM_020911.2 (MANE Select); coding-DNA position 2952, C replaced by T.
Protein change: p.Asn984=; no amino-acid change (asparagine 984 retained).
Molecular consequence: synonymous variant.
Genome position (GRCh38, 1-based): chr7:132,187,512, G>A on the plus strand (C>T on the coding strand, the complement: PLXNA4 is on the minus strand). VCF-style: chr7-132187512-G-A. GRCh37 (hg19) VCF-style: chr7-131872271-G-A.
Other names: c.2952C>T, p.Asn984= (NM_001393897.1).
Identifiers: ClinVar variation 3054332 (VCV003054332.2), dbSNP rs377114297, ClinGen allele CA4489652.

ClinVar aggregate classification (germline): Likely benign (0 of 4 stars; one submission).

Conditions:
PLXNA4-related disorder. Also called: PLXNA4-related condition.

Allele frequency attached by ClinVar (database versions not stated): ExAC 0.00002; TOPMed 0.00009; gnomAD 0.00011; gnomAD exomes 0.00012; ESP Exome Variant Server 0.00016; 1000 Genomes Project 30x 0.00031.
gnomAD v4.1: 196 of 1,614,108 alleles (0.012%); highest among the groups gnomAD compares: South Asian, 0.027%; no homozygotes.

Submission:

PreventionGenetics, part of Exact Sciences
Classification: Likely benign for PLXNA4-related condition. Last evaluated: 2022-06-09. Review status: no assertion criteria provided. Collection method: clinical testing. Allele origin: germline.
Comment: This variant is classified as likely benign based on ACMG/AMP sequence variant interpretation guidelines (Richards et al. 2015 PMID: 25741868, with internal and published modifications).